The following is an entry in ClinVar:

ClinVar aggregate classification (germline): Pathogenic. Review status: criteria provided, multiple submitters, no conflicts (2 of 4 stars). 2 submissions from 2 submitters: Pathogenic (2). Last evaluated 2024-04-30.

Conditions:
Hyperinsulinemic hypoglycemia, familial, 1 (HHF1). Also called: Persistent hyperinsulinemic hypoglycemia of infancy; HYPERINSULINISM, FAMILIAL, WITH PANCREATIC NESIDIOBLASTOSIS; HYPOGLYCEMIA, HYPERINSULINEMIC, OF INFANCY; NESIDIOBLASTOSIS OF PANCREAS; Persistent Hyperinsulinemia Hypoglycemia of Infancy. Identifiers: Orphanet 276575, Orphanet 276598, MedGen C2931832, MONDO:0009734, OMIM 256450.

Submissions (2):

GeneDx
Classification: Pathogenic. Last evaluated: 2024-04-30. Review status: criteria provided, single submitter. Criteria: GeneDx Variant Classification Process June 2021. Collection method: clinical testing. Allele origin: germline. Affected: yes.
Comment: Reported as p.A1458V in an individual with diffuse congenital hyperinsulinism in published literature; the variant was inherited from the patient's unaffected father (PMID: 20685672); Published functional studies demonstrate a damaging effect: severely impaired channel response to diazoxide and MgADP (PMID: 24814349); Not observed at significant frequency in large population cohorts (gnomAD); In silico analysis supports that this missense variant has a deleterious effect on protein structure/function; This variant is associated with the following publications: (PMID: 33057194, 35982159, 24814349, 20685672, 31464105, 21536946, 27538677)

Clinical Genetics Service, Universitary Hospital 12 de Octubre
Classification: Pathogenic for Hyperinsulinemic hypoglycemia, familial, 1. Review status: criteria provided, single submitter. Criteria: ACMG Guidelines, 2015. Collection method: clinical testing. Allele origin: de novo. Affected: yes.

NM_000352.6(ABCC8):c.4370C>T (p.Ala1457Val)

Gene: ABCC8 (ATP binding cassette subfamily C member 8; minus strand). Cytogenetic location: 11p15.1.
Variant type: single nucleotide variant.
Coding change: c.4370C>T on transcript NM_000352.6 (MANE Select); coding-DNA position 4370, C replaced by T.
Protein change: p.Ala1457Val; replaces alanine 1457 with valine.
Molecular consequence: missense variant. On other transcripts: non-coding transcript variant (1).
Genome position (GRCh38, 1-based): chr11:17,395,213, G>A on the plus strand (C>T on the coding strand, the complement: ABCC8 is on the minus strand). VCF-style: chr11-17395213-G-A. GRCh37 (hg19) VCF-style: chr11-17416760-G-A.
Other names: c.4373C>T, p.Ala1458Val (NM_001287174.3); c.4436C>T, p.Ala1479Val (NM_001351295.2); c.4370C>T, p.Ala1457Val (NM_001351296.2); c.4367C>T, p.Ala1456Val (NM_001351297.2); c.4370C>T (NM_000352.4); short protein forms A1456V, A1457V, A1458V, A1479V.
Identifiers: ClinVar variation 1216356 (VCV001216356.5), dbSNP rs2133398429, ClinGen allele CA379785330.
Genomic context (GRCh38, chr11:17,395,213, plus strand): 5'-CATAGCCAGGAGTAGTTACCGAGGCCTCCTGGCAGTGCCTTCACCACCAGCTTCAGCTGG[G>A]CGATTTCCAGGGCCTCCCACAGTGTGCTATCTGAGCACTTCCTCTCAGGGTCCAGGTTAA-3'
Protein context (NP_000343.2, residues 1447-1467): DSTLWEALEI[Ala1457Val]QLKLVVKALP